The following is an entry in ClinVar:

ClinVar aggregate classification (germline): Uncertain significance (1 of 4 stars; one submission).

Allele frequency attached by ClinVar (database versions not stated): gnomAD 0.00001; TOPMed 0.00001; ExAC 0.00002; gnomAD exomes 0.00003; ESP Exome Variant Server 0.00008.
gnomAD v4.1: 34 of 1,614,046 alleles (0.0021%); highest among the groups gnomAD compares: Non-Finnish European, 0.0029%; no homozygotes.

Submission:

Labcorp Genetics (formerly Invitae), Labcorp
Classification: Uncertain significance. Last evaluated: 2021-11-24. Review status: criteria provided, single submitter. Criteria: Invitae Variant Classification Sherloc (09022015). Collection method: clinical testing. Allele origin: germline.
Comment: In summary, the available evidence is currently insufficient to determine the role of this variant in disease. Therefore, it has been classified as a Variant of Uncertain Significance. Algorithms developed to predict the effect of missense changes on protein structure and function (SIFT, PolyPhen-2, Align-GVGD) all suggest that this variant is likely to be tolerated. This variant has not been reported in the literature in individuals affected with CETP-related conditions. This variant is present in population databases (rs369294786, gnomAD 0.006%). This sequence change replaces alanine, which is neutral and non-polar, with proline, which is neutral and non-polar, at codon 65 of the CETP protein (p.Ala65Pro).

NM_000078.3(CETP):c.193G>C (p.Ala65Pro)

Gene: CETP (cholesteryl ester transfer protein; plus strand). Cytogenetic location: 16q13.
Variant type: single nucleotide variant.
Coding change: c.193G>C on transcript NM_000078.3 (MANE Select); coding-DNA position 193, G replaced by C.
Protein change: p.Ala65Pro; replaces alanine 65 with proline.
Molecular consequence: missense variant.
Genome position (GRCh38, 1-based): chr16:56,963,084, G>C. VCF-style: chr16-56963084-G-C. GRCh37 (hg19) VCF-style: chr16-56996996-G-C.
Other names: c.193G>C, p.Ala65Pro (NM_001286085.2); short protein forms A65P.
Identifiers: ClinVar variation 1502548 (VCV001502548.6), dbSNP rs369294786, ClinGen allele CA8070817.